The following is an entry in ClinVar:

NM_001080432.3(FTO):c.*2249A>T

Gene: FTO (FTO alpha-ketoglutarate dependent dioxygenase; plus strand). Cytogenetic location: 16q12.2.
Variant type: single nucleotide variant.
Coding change: c.*2249A>T on transcript NM_001080432.3 (MANE Select); 2249 bases downstream of the stop codon, A replaced by T.
Molecular consequence: 3 prime UTR variant.
Genome position (GRCh38, 1-based): chr16:54,114,164, A>T. VCF-style: chr16-54114164-A-T. GRCh37 (hg19) VCF-style: chr16-54148076-A-T.
Other names: c.*2249A>T (NM_001363891.2, NM_001363894.2, NM_001363896.2 and 6 more transcripts); c.*2367A>T (NM_001363903.2); c.*2425A>T (NM_001363988.2).
Identifiers: ClinVar variation 319731 (VCV000319731.5), dbSNP rs75681401, ClinGen allele CA10638003.
Genomic context (GRCh38, chr16:54,114,164, plus strand): 5'-AAGGTCTGCATTTTTCTTTAGAACTCAGAACACCCAATAGTCCTAGGCCCCCATCCTCGC[A>T]TGGCAGCAAGCTAAATAAGCATCTTCCCACTGCGAGTTGGGGCATGACCCAGCCTATGGT-3'

ClinVar aggregate classification (germline): Benign (1 of 4 stars; one submission).

Conditions:
Lethal polymalformative syndrome, Boissel type. Also called: GROWTH RETARDATION, DEVELOPMENTAL DELAY, AND FACIAL DYSMORPHISM. Identifiers: Orphanet 210144, MedGen C2752001, MONDO:0013050, OMIM 612938.

Allele frequency attached by ClinVar (database versions not stated): gnomAD 0.01070; 1000 Genomes Project 30x 0.01109; TOPMed 0.01231; 1000 Genomes Project 0.01058.

Submission:

Illumina Laboratory Services, Illumina
Classification: Benign for Lethal polymalformative syndrome, Boissel type. Last evaluated: 2018-01-13. Review status: criteria provided, single submitter. Criteria: ICSL Variant Classification Criteria 13 December 2019. Collection method: clinical testing. Allele origin: germline.
Comment: This variant was observed in the ICSL laboratory as part of a predisposition screen in an ostensibly healthy population. It had not been previously curated by ICSL or reported in the Human Gene Mutation Database (HGMD: prior to June 1st, 2018), and was therefore a candidate for classification through an automated scoring system. Utilizing variant allele frequency, disease prevalence and penetrance estimates, and inheritance mode, an automated score was calculated to assess if this variant is too frequent to cause the disease. Based on the score and internal cut-off values, a variant classified as benign is not then subjected to further curation. The score for this variant resulted in a classification of benign for this disease.